The following is an entry in ClinVar:

NM_001384732.1(CPLANE1):c.8828C>T (p.Thr2943Ile)

Gene: CPLANE1 (ciliogenesis and planar polarity effector complex subunit 1; minus strand). Cytogenetic location: 5p13.2.
Variant type: single nucleotide variant.
Coding change: c.8828C>T on transcript NM_001384732.1 (MANE Select); coding-DNA position 8828, C replaced by T.
Protein change: p.Thr2943Ile; replaces threonine 2943 with isoleucine.
Molecular consequence: missense variant.
Genome position (GRCh38, 1-based): chr5:37,125,374, G>A on the plus strand (C>T on the coding strand, the complement: CPLANE1 is on the minus strand). VCF-style: chr5-37125374-G-A. GRCh37 (hg19) VCF-style: chr5-37125476-G-A.
Other names: c.8666C>T, p.Thr2889Ile (NM_023073.4); short protein forms T2889I, T2943I.
Identifiers: ClinVar variation 1063002 (VCV001063002.9), dbSNP rs778535345, ClinGen allele CA3237644.

ClinVar aggregate classification (germline): Uncertain significance. Review status: criteria provided, multiple submitters, no conflicts (2 of 4 stars). 2 submissions from 2 submitters: Uncertain significance (2). Last evaluated 2024-12-02.

Conditions:
Joubert syndrome 17 (JBTS17). Identifiers: Orphanet 475, MedGen C3553264, MONDO:0013824, OMIM 614615.
Orofaciodigital syndrome type 6 (OFD6). Also called: OROFACIODIGITAL SYNDROME VI; OFDS VI; POLYDACTYLY, CLEFT LIP/PALATE OR LINGUAL LUMP, AND PSYCHOMOTOR RETARDATION; VARADI SYNDROME; VARADI-PAPP SYNDROME; Oral-facial-digital syndrome type 6. Identifiers: Orphanet 2754, MedGen C2745997, MONDO:0010176, OMIM 277170.

Allele frequency attached by ClinVar (database versions not stated): ExAC 0.00001; gnomAD exomes 0.00001; gnomAD 0.00002; TOPMed 0.00004.
gnomAD v4.1: 43 of 1,613,076 alleles (0.0027%); highest among the groups gnomAD compares: Admixed American, 0.0033%; no homozygotes.

Submissions (2):

Labcorp Genetics (formerly Invitae), Labcorp
Classification: Uncertain significance. Last evaluated: 2024-12-02. Review status: criteria provided, single submitter. Criteria: Invitae Variant Classification Sherloc (09022015). Collection method: clinical testing. Allele origin: germline.
Comment: This sequence change replaces threonine, which is neutral and polar, with isoleucine, which is neutral and non-polar, at codon 2889 of the CPLANE1 protein (p.Thr2889Ile). This variant is present in population databases (rs778535345, gnomAD 0.006%). This variant has not been reported in the literature in individuals affected with CPLANE1-related conditions. ClinVar contains an entry for this variant (Variation ID: 1063002). Invitae Evidence Modeling of protein sequence and biophysical properties (such as structural, functional, and spatial information, amino acid conservation, physicochemical variation, residue mobility, and thermodynamic stability) indicates that this missense variant is not expected to disrupt CPLANE1 protein function with a negative predictive value of 95%. In summary, the available evidence is currently insufficient to determine the role of this variant in disease. Therefore, it has been classified as a Variant of Uncertain Significance.

Fulgent Genetics
Classification: Uncertain significance for Orofaciodigital syndrome type 6; Joubert syndrome 17. Last evaluated: 2024-06-11. Review status: criteria provided, single submitter. Criteria: ACMG Guidelines, 2015. Collection method: clinical testing. Allele origin: germline.